The following is an entry in ClinVar:

ClinVar aggregate classification (germline): Uncertain significance (1 of 4 stars; one submission).

Conditions:
Breast-ovarian cancer, familial, susceptibility to, 4. Identifiers: Orphanet 145, MedGen C3280345, MONDO:0013669, OMIM 614291.

Submission:

Labcorp Genetics (formerly Invitae), Labcorp
Classification: Uncertain significance for Breast-ovarian cancer, familial, susceptibility to, 4. Last evaluated: 2022-04-14. Review status: criteria provided, single submitter. Criteria: Invitae Variant Classification Sherloc (09022015). Collection method: clinical testing. Allele origin: germline.
Comment: This sequence change replaces alanine, which is neutral and non-polar, with serine, which is neutral and polar, at codon 125 of the RAD51D protein (p.Ala125Ser). In summary, the available evidence is currently insufficient to determine the role of this variant in disease. Therefore, it has been classified as a Variant of Uncertain Significance. Algorithms developed to predict the effect of missense changes on protein structure and function (SIFT, PolyPhen-2, Align-GVGD) all suggest that this variant is likely to be tolerated. ClinVar contains an entry for this variant (Variation ID: 641332). This variant has not been reported in the literature in individuals affected with RAD51D-related conditions. This variant is not present in population databases (gnomAD no frequency).

NM_002878.4(RAD51D):c.373G>T (p.Ala125Ser)

Genes: RAD51D (RAD51 paralog D; minus strand), RAD51L3-RFFL (RAD51L3-RFFL readthrough; minus strand). Cytogenetic location: 17q12.
Variant type: single nucleotide variant.
Coding change: c.373G>T on transcript NM_002878.4 (MANE Select); coding-DNA position 373, G replaced by T.
Protein change: p.Ala125Ser; replaces alanine 125 with serine.
Molecular consequence: missense variant. On other transcripts: non-coding transcript variant (1), intron variant (1).
Genome position (GRCh38, 1-based): chr17:35,107,095, C>A on the plus strand (G>T on the coding strand, the complement: RAD51D is on the minus strand). VCF-style: chr17-35107095-C-A. GRCh37 (hg19) VCF-style: chr17-33434114-C-A.
Other names: c.433G>T, p.Ala145Ser (NM_001142571.2); c.145-614G>T (NM_133629.3); short protein forms A125S, A145S.
Identifiers: ClinVar variation 641332 (VCV000641332.5), dbSNP rs1597862772, ClinGen allele CA399089353.
Genomic context (GRCh38, chr17:35,107,095, plus strand): 5'-GGGAAGCTGTCAGCCCTCCATTGGAATCTACATATAGGACGTTTTGCTGCAGGCCATGGG[C>A]CACATTTGCTGCCATACAGAGACATACCTGGGGGTGGGGGCATTGGATGAACTTGACACT-3'
Protein context (NP_002869.3, residues 115-135): QVCLCMAANV[Ala125Ser]HGLQQNVLYV